The following is an entry in ClinVar:

ClinVar aggregate classification (germline): Uncertain significance (1 of 4 stars; one submission).

Submission:

Labcorp Genetics (formerly Invitae), Labcorp
Classification: Uncertain significance. Last evaluated: 2023-07-19. Review status: criteria provided, single submitter. Criteria: Invitae Variant Classification Sherloc (09022015). Collection method: clinical testing. Allele origin: germline.
Comment: This variant has not been reported in the literature in individuals affected with SNRNP200-related conditions. This variant is not present in population databases (gnomAD no frequency). This sequence change replaces asparagine, which is neutral and polar, with serine, which is neutral and polar, at codon 511 of the SNRNP200 protein (p.Asn511Ser). Advanced modeling of protein sequence and biophysical properties (such as structural, functional, and spatial information, amino acid conservation, physicochemical variation, residue mobility, and thermodynamic stability) performed at Invitae indicates that this missense variant is expected to disrupt SNRNP200 protein function. In summary, the available evidence is currently insufficient to determine the role of this variant in disease. Therefore, it has been classified as a Variant of Uncertain Significance.

NM_014014.5(SNRNP200):c.1532A>G (p.Asn511Ser)

Gene: SNRNP200 (small nuclear ribonucleoprotein U5 subunit 200; minus strand). Cytogenetic location: 2q11.2.
Variant type: single nucleotide variant.
Coding change: c.1532A>G on transcript NM_014014.5 (MANE Select); coding-DNA position 1532, A replaced by G.
Protein change: p.Asn511Ser; replaces asparagine 511 with serine.
Molecular consequence: missense variant.
Genome position (GRCh38, 1-based): chr2:96,296,675, T>C on the plus strand (A>G on the coding strand, the complement: SNRNP200 is on the minus strand). VCF-style: chr2-96296675-T-C. GRCh37 (hg19) VCF-style: chr2-96962413-T-C.
Other names: short protein forms N511S.
Identifiers: ClinVar variation 2830897 (VCV002830897.3), dbSNP rs2063919035, ClinGen allele CA347682356.